The following is an entry in ClinVar:

NM_016156.6(MTMR2):c.1209del (p.Asp404fs)

Gene: MTMR2 (myotubularin related protein 2; minus strand). Cytogenetic location: 11q21.
Variant type: Deletion.
Coding change: c.1209del on transcript NM_016156.6 (MANE Select); coding-DNA position 1209, one base deleted (T; older notation c.1209delT).
Protein change: p.Asp404fs; shifts the reading frame from aspartic acid 404.
Molecular consequence: frameshift variant.
Genome position (GRCh38, 1-based): chr11:95,845,130, A deleted on the plus strand (T on the coding strand, the reverse complement: MTMR2 is on the minus strand). VCF-style (leftmost placement, unchanged base first): chr11-95845129-CA-C. GRCh37 (hg19) VCF-style: chr11-95578293-CA-C.
Other names: c.993del, p.Asp332fs (NM_001243571.2, NM_001440630.1, NM_001440631.1 and 11 more transcripts); c.861del, p.Asp288fs (NM_001440642.1); c.807del, p.Asp270fs (NM_001440643.1); c.1125del, p.Asp376fs (NM_001440647.1); c.1209del, p.Asp404fs (NM_001440648.1); c.1023del, p.Asp342fs (NM_001440649.1, NM_001440650.1); c.1020del, p.Asp341fs (NM_001440651.1); short protein forms D376fs, D404fs, D288fs, D270fs, D332fs, D341fs, D342fs.
Identifiers: ClinVar variation 5005010 (VCV005005010.2).

ClinVar aggregate classification (germline): Likely pathogenic (1 of 4 stars; one submission).

Conditions:
Charcot-Marie-Tooth disease type 4B1. Also called: CHARCOT-MARIE-TOOTH DISEASE, AUTOSOMAL RECESSIVE, WITH FOCALLY FOLDED MYELIN SHEATHS, AUTOSOMAL RECESSIVE, TYPE 4B1; CHARCOT-MARIE-TOOTH DISEASE, TYPE 4B; CHARCOT-MARIE-TOOTH DISEASE, DEMYELINATING, TYPE 4B1; Charcot-Marie-Tooth Neuropathy Type 4B1. Identifiers: Orphanet 99955, MedGen C1832399, MONDO:0011066, OMIM 601382.

Submission:

Juno Genomics, Hangzhou Juno Genomics, Inc
Classification: Likely pathogenic for Charcot-Marie-Tooth disease type 4B1. Review status: criteria provided, single submitter. Criteria: ACMG Guidelines, 2015. Collection method: clinical testing. Allele origin: germline.
Comment: Null variant in a gene where loss of function (LOF) is a known mechanism of disease.;Absent from controls (or at extremely low frequency if recessive) in Genome Aggregation Database.